The following is an entry in ClinVar:

NM_001128840.3(CACNA1D):c.2474-1G>A

Gene: CACNA1D (calcium voltage-gated channel subunit alpha1 D; plus strand). Cytogenetic location: 3p21.1.
Variant type: single nucleotide variant.
Coding change: c.2474-1G>A on transcript NM_001128840.3 (MANE Select); the canonical splice acceptor site of the intron before coding-DNA position 2474, G replaced by A.
Molecular consequence: splice acceptor variant.
Genome position (GRCh38, 1-based): chr3:53,732,814, G>A. VCF-style: chr3-53732814-G-A. GRCh37 (hg19) VCF-style: chr3-53766841-G-A.
Other names: c.2474-1G>A (NM_001128839.3); c.2534-1G>A (NM_000720.4, NM_000720.3).
Identifiers: ClinVar variation 1809819 (VCV001809819.3), dbSNP rs2095011675, ClinGen allele CA353241303.

ClinVar aggregate classification (germline): Uncertain significance. Review status: criteria provided, multiple submitters, no conflicts (2 of 4 stars). 3 submissions from 3 submitters: Uncertain significance (2). 1 of the submissions does not count toward it. Last evaluated 2022-07-02.

Conditions:
CACNA1D-related disorder.

Allele frequency attached by ClinVar (database versions not stated): gnomAD exomes below 0.00001.
gnomAD v4.1: 4 of 1,612,594 alleles (0.00025%); highest among the groups gnomAD compares: Non-Finnish European, 0.00034%; no homozygotes.

Submissions (3):

GeneDx
Classification: Uncertain significance. Last evaluated: 2022-07-02. Review status: criteria provided, single submitter. Criteria: GeneDx Variant Classification Process June 2021. Collection method: clinical testing. Allele origin: germline. Affected: yes.
Comment: Not observed at significant frequency in large population cohorts (gnomAD); Canonical splice site variant predicted to result in a null allele in a gene for which loss of function is a known mechanism of disease; Has not been previously published as pathogenic or benign to our knowledge

Blueprint Genetics
Classification: Uncertain significance. Last evaluated: 2021-03-04. Review status: criteria provided, single submitter. Criteria: ACMG Guidelines, 2015. Collection method: clinical testing. Allele origin: germline.

PreventionGenetics, part of Exact Sciences
Classification: Uncertain significance for CACNA1D-related condition. Last evaluated: 2024-03-28. Review status: no assertion criteria provided. Collection method: clinical testing. Allele origin: germline. Not counted in ClinVar's aggregate classification.
Comment: The CACNA1D c.2534-1G>A variant is predicted to disrupt the AG splice acceptor site and interfere with normal splicing. To our knowledge, this variant has not been reported in the literature or in a large population database, indicating this variant is rare. At this time, the clinical significance of this variant is uncertain due to the absence of conclusive functional and genetic evidence.